The following is an entry in ClinVar:

ClinVar aggregate classification (germline): Benign (1 of 4 stars; one submission).

Allele frequency attached by ClinVar (database versions not stated): 1000 Genomes Project 30x 0.18067; 1000 Genomes Project 0.18171; gnomAD 0.22117 and 0.22216; TOPMed 0.22134.

Submission:

GeneDx
Classification: Benign. Last evaluated: 2018-06-14. Review status: criteria provided, single submitter. Criteria: GeneDx Variant Classification (06012015). Collection method: clinical testing. Allele origin: germline. Affected: yes.
Comment: This variant is considered likely benign or benign based on one or more of the following criteria: it is a conservative change, it occurs at a poorly conserved position in the protein, it is predicted to be benign by multiple in silico algorithms, and/or has population frequency not consistent with disease.

NM_020117.11(LARS1):c.1065+324T>C

Gene: LARS1 (leucyl-tRNA synthetase 1; minus strand). Cytogenetic location: 5q32.
Variant type: single nucleotide variant.
Coding change: c.1065+324T>C on transcript NM_020117.11 (MANE Select); 324 bases into the intron after coding-DNA position 1065, T replaced by C.
Molecular consequence: intron variant.
Genome position (GRCh38, 1-based): chr5:146,157,079, A>G on the plus strand (T>C on the coding strand, the complement: LARS1 is on the minus strand). VCF-style: chr5-146157079-A-G. GRCh37 (hg19) VCF-style: chr5-145536642-A-G.
Other names: c.903+324T>C (NM_001317965.2); c.984+324T>C (NM_016460.4); c.927+324T>C (NM_001317964.2).
Identifiers: ClinVar variation 670003 (VCV000670003.1), dbSNP rs13180113, ClinGen allele CA128854071.